The following is an entry in ClinVar:

ClinVar aggregate classification (germline): Pathogenic (1 of 4 stars; one submission).

Submission:

Labcorp Genetics (formerly Invitae), Labcorp
Classification: Pathogenic. Last evaluated: 2023-07-08. Review status: criteria provided, single submitter. Criteria: Invitae Variant Classification Sherloc (09022015). Collection method: clinical testing. Allele origin: germline.
Comment: For these reasons, this variant has been classified as Pathogenic. This variant has not been reported in the literature in individuals affected with GNPTG-related conditions. Information on the frequency of this variant in the gnomAD database is not available, as this variant may be reported differently in the database. This sequence change creates a premature translational stop signal (p.Phe42*) in the GNPTG gene. It is expected to result in an absent or disrupted protein product. Loss-of-function variants in GNPTG are known to be pathogenic (PMID: 19370764, 20301784).

Literature cited by the submitters: PubMed 19370764; PubMed 20301784.

NM_032520.5(GNPTG):c.125_126delinsAG (p.Phe42Ter)

Gene: GNPTG (N-acetylglucosamine-1-phosphate transferase subunit gamma; plus strand). Cytogenetic location: 16p13.3.
Variant type: Indel.
Coding change: c.125_126delinsAG on transcript NM_032520.5 (MANE Select); coding-DNA positions 125 to 126, TC replaced by AG.
Protein change: p.Phe42Ter; replaces phenylalanine 42 with a stop codon.
Molecular consequence: nonsense.
Genome position (GRCh38, 1-based): chr16:1,352,253-1,352,254, TC replaced by AG. VCF-style: chr16-1352253-TC-AG. GRCh37 (hg19) VCF-style: chr16-1402254-TC-AG.
Other names: short protein forms F42*.
Identifiers: ClinVar variation 2738528 (VCV002738528.3), dbSNP rs2548185876, ClinGen allele CA2697549623.